The following is an entry in ClinVar:

ClinVar aggregate classification (germline): Likely benign. Review status: criteria provided, multiple submitters, no conflicts (2 of 4 stars). 3 submissions from 3 submitters: Likely benign (3). Last evaluated 2024-12-07.

Conditions:
Intellectual developmental disorder, autosomal dominant 1. Also called: Intellectual disability, autosomal dominant 1; MBD5 Haploinsufficiency. Identifiers: Orphanet 228402, MedGen C1969562, MONDO:0007974, OMIM 156200.

Allele frequency attached by ClinVar (database versions not stated): TOPMed 0.00002; gnomAD 0.00003; ESP Exome Variant Server 0.00008.
gnomAD v4.1: 40 of 1,613,656 alleles (0.0025%); highest among the groups gnomAD compares: South Asian, 0.016%; no homozygotes.

Submissions (3):

Labcorp Genetics (formerly Invitae), Labcorp
Classification: Likely benign for Intellectual developmental disorder, autosomal dominant 1. Last evaluated: 2024-12-07. Review status: criteria provided, single submitter. Criteria: Invitae Variant Classification Sherloc (09022015). Collection method: clinical testing. Allele origin: germline.

Blueprint Genetics
Classification: Likely benign. Last evaluated: 2023-09-19. Review status: criteria provided, single submitter. Criteria: ACMG Guidelines, 2015. Collection method: clinical testing. Allele origin: germline.

GeneDx
Classification: Likely benign. Last evaluated: 2020-11-02. Review status: criteria provided, single submitter. Criteria: GeneDx Variant Classification Process June 2021. Collection method: clinical testing. Allele origin: germline. Affected: yes.
Comment: This variant is associated with the following publications: (PMID: 23055267)

NM_001378120.1(MBD5):c.1327G>A (p.Val443Met)

Gene: MBD5 (methyl-CpG binding domain protein 5; plus strand). Cytogenetic location: 2q23.1.
Variant type: single nucleotide variant.
Coding change: c.1327G>A on transcript NM_001378120.1 (MANE Select); coding-DNA position 1327, G replaced by A.
Protein change: p.Val443Met; replaces valine 443 with methionine.
Molecular consequence: missense variant.
Genome position (GRCh38, 1-based): chr2:148,469,270, G>A. VCF-style: chr2-148469270-G-A. GRCh37 (hg19) VCF-style: chr2-149226839-G-A.
Other names: c.1327G>A, p.Val443Met (NM_018328.5); short protein forms V443M.
Identifiers: ClinVar variation 241284 (VCV000241284.15), dbSNP rs137977565, ClinGen allele CA1900000.